The following is an entry in ClinVar:

ClinVar aggregate classification (germline): Pathogenic (1 of 4 stars; one submission).

Submission:

Labcorp Genetics (formerly Invitae), Labcorp
Classification: Pathogenic. Last evaluated: 2021-08-12. Review status: criteria provided, single submitter. Criteria: Invitae Variant Classification Sherloc (09022015). Collection method: clinical testing. Allele origin: germline.
Comment: For these reasons, this variant has been classified as Pathogenic. This variant has not been reported in the literature in individuals affected with SKIV2L-related conditions. This variant is not present in population databases (ExAC no frequency). This sequence change creates a premature translational stop signal (p.Arg528Asnfs*52) in the SKIV2L gene. It is expected to result in an absent or disrupted protein product. Loss-of-function variants in SKIV2L are known to be pathogenic (PMID: 22444670).

Literature cited by the submitters: PubMed 22444670.

NM_006929.5(SKIC2):c.1583_1584del (p.Arg528fs)

Gene: SKIC2 (SKI2 subunit of superkiller complex; plus strand). Cytogenetic location: 6p21.33.
Variant type: Microsatellite.
Coding change: c.1583_1584del on transcript NM_006929.5 (MANE Select); coding-DNA positions 1583 to 1584, 2 bases deleted (GA; older notation c.1583_1584delGA).
Protein change: p.Arg528fs; shifts the reading frame from arginine 528.
Molecular consequence: frameshift variant.
Genome position (GRCh38, 1-based): chr6:31,963,669-31,963,670, GA deleted; deleting any 2 consecutive bases within chr6:31,963,665-31,963,670 gives the same sequence; the c. name uses the placement nearest the transcript's 3' end. VCF-style (leftmost placement, unchanged base first): chr6-31963664-GGA-G. GRCh37 (hg19) VCF-style: chr6-31931441-GGA-G.
Other names: short protein forms R528fs.
Identifiers: ClinVar variation 1365489 (VCV001365489.6), dbSNP rs1772632334, ClinGen allele CA1619381989.